The following is an entry in ClinVar:

NM_007294.4(BRCA1):c.3000G>T (p.Glu1000Asp)

Gene: BRCA1 (BRCA1 DNA repair associated; minus strand). Cytogenetic location: 17q21.31.
Variant type: single nucleotide variant.
Coding change: c.3000G>T on transcript NM_007294.4 (MANE Select); coding-DNA position 3000, G replaced by T.
Protein change: p.Glu1000Asp; replaces glutamic acid 1000 with aspartic acid.
Molecular consequence: missense variant. On other transcripts: intron variant (137).
Genome position (GRCh38, 1-based): chr17:43,092,531, C>A on the plus strand (G>T on the coding strand, the complement: BRCA1 is on the minus strand). VCF-style: chr17-43092531-C-A. GRCh37 (hg19) VCF-style: chr17-41244548-C-A.
Other names: c.2790G>T, p.Glu930Asp (NM_001407879.1, NM_001407881.1, NM_001407882.1 and 13 more transcripts); c.2787G>T, p.Glu929Asp (NM_001407894.1, NM_001407895.1, NM_001407915.1 and 9 more transcripts); c.2877G>T, p.Glu959Asp (NM_001407919.1, NM_001407937.1, NM_001407938.1 and 19 more transcripts); c.2736G>T, p.Glu912Asp (NM_001407920.1, NM_001407921.1, NM_001407933.1 and 9 more transcripts); c.2733G>T, p.Glu911Asp (NM_001407931.1, NM_001407932.1, NM_001407934.1 and 2 more transcripts); c.2874G>T, p.Glu958Asp (NM_001407940.1, NM_001407673.1, NM_001407649.1 and 11 more transcripts); c.2667G>T, p.Glu889Asp (NM_001407950.1, NM_001407951.1, NM_001407952.1 and 6 more transcripts); c.2664G>T, p.Glu888Asp (NM_001407954.1, NM_001407955.1, NM_001407956.1 and 1 more transcripts); and 41 more; short protein forms E1000D, E704D, E832D, E872D, E873D, E888D, E889D, E911D.
Identifiers: ClinVar variation 4856546 (VCV004856546.1).

ClinVar aggregate classification (germline): Likely benign (1 of 4 stars; one submission).

Conditions:
Breast-ovarian cancer, familial, susceptibility to, 1 (BROVCA1). Also called: OVARIAN CANCER, SUSCEPTIBILITY TO; BRCA1 Hereditary Breast and Ovarian Cancer. Identifiers: Orphanet 145, MedGen C2676676, MONDO:0011450, OMIM 604370. Disease mechanism: loss of function.

gnomAD v4.1: 2 of 1,613,888 alleles (0.00012%); highest among the groups gnomAD compares: South Asian, 0.0022%; 1 homozygote.

Submission:

Cancer Bioinformatics and Tumour Evolution Laboratory, Monash University
Classification: Likely benign for Breast-ovarian cancer, familial, susceptibility to, 1. Last evaluated: 2026-05-01. Review status: criteria provided, single submitter. Criteria: ClinGen BRCA1 and BRCA2 Guidelines, 2024. Collection method: curation. Allele origin: germline. Inheritance: Autosomal dominant inheritance.
Comment: Missense variant outside of a functional domain with no splice impact. BRCA1 and BRCA2 VCEP guidelines recommend application of BP1_Strong (PMID: 39142283)